The following is an entry in ClinVar:

ClinVar aggregate classification (germline): Uncertain significance (1 of 4 stars; one submission).

Submission:

Labcorp Genetics (formerly Invitae), Labcorp
Classification: Uncertain significance. Last evaluated: 2024-05-23. Review status: criteria provided, single submitter. Criteria: Invitae Variant Classification Sherloc (09022015). Collection method: clinical testing. Allele origin: germline.
Comment: This sequence change replaces leucine, which is neutral and non-polar, with glutamine, which is neutral and polar, at codon 146 of the ABCA3 protein (p.Leu146Gln). This variant is not present in population databases (gnomAD no frequency). This variant has not been reported in the literature in individuals affected with ABCA3-related conditions. An algorithm developed to predict the effect of missense changes on protein structure and function (PolyPhen-2) suggests that this variant is likely to be disruptive. In summary, the available evidence is currently insufficient to determine the role of this variant in disease. Therefore, it has been classified as a Variant of Uncertain Significance.

NM_001089.3(ABCA3):c.437T>A (p.Leu146Gln)

Gene: ABCA3 (ATP binding cassette subfamily A member 3; minus strand). Cytogenetic location: 16p13.3.
Variant type: single nucleotide variant.
Coding change: c.437T>A on transcript NM_001089.3 (MANE Select); coding-DNA position 437, T replaced by A.
Protein change: p.Leu146Gln; replaces leucine 146 with glutamine.
Molecular consequence: missense variant.
Genome position (GRCh38, 1-based): chr16:2,324,414, A>T on the plus strand (T>A on the coding strand, the complement: ABCA3 is on the minus strand). VCF-style: chr16-2324414-A-T. GRCh37 (hg19) VCF-style: chr16-2374415-A-T.
Other names: short protein forms L146Q.
Identifiers: ClinVar variation 3681103 (VCV003681103.2).